The following is an entry in ClinVar:

NM_001267550.2(TTN):c.77772C>T (p.Thr25924=)

Genes: TTN (titin; minus strand), TTN-AS1 (TTN antisense RNA 1; plus strand). Cytogenetic location: 2q31.2.
Variant type: single nucleotide variant.
Coding change: c.77772C>T on transcript NM_001267550.2 (MANE Select); coding-DNA position 77772, C replaced by T.
Protein change: p.Thr25924=; no amino-acid change (threonine 25924 retained).
Molecular consequence: synonymous variant.
Genome position (GRCh38, 1-based): chr2:178,568,360, G>A on the plus strand (C>T on the coding strand, the complement: TTN is on the minus strand). VCF-style: chr2-178568360-G-A. GRCh37 (hg19) VCF-style: chr2-179433087-G-A.
Other names: c.72849C>T, p.Thr24283= (NM_001256850.1); c.50577C>T, p.Thr16859= (NM_003319.4); c.50952C>T, p.Thr16984= (NM_133432.3); c.51153C>T, p.Thr17051= (NM_133437.4); c.70068C>T, p.Thr23356= (NM_133378.4).
Identifiers: ClinVar variation 179762 (VCV000179762.16), dbSNP rs727505107, ClinGen allele CA185087.

ClinVar aggregate classification (germline): Likely benign. Review status: criteria provided, multiple submitters, no conflicts (2 of 4 stars). 3 submissions from 3 submitters: Likely benign (3). Last evaluated 2025-11-06.

Conditions:
Cardiovascular phenotype. Identifiers: MedGen CN230736.
Dilated cardiomyopathy 1G (CMD1G). Identifiers: Orphanet 154, MedGen C1858763, MONDO:0011400, OMIM 604145.
Autosomal recessive limb-girdle muscular dystrophy type 2J (LGMDR10). Also called: Limb-girdle muscular dystrophy, type 2J; MUSCULAR DYSTROPHY, LIMB-GIRDLE, AUTOSOMAL RECESSIVE 10. Identifiers: Orphanet 140922, MedGen C1837342, MONDO:0012127, OMIM 608807.

Allele frequency attached by ClinVar (database versions not stated): gnomAD exomes below 0.00001; TOPMed 0.00001.
gnomAD v4.1: 2 of 1,613,264 alleles (0.00012%); highest among the groups gnomAD compares: Non-Finnish European, 0.00017%; no homozygotes.

Submissions (3):

Labcorp Genetics (formerly Invitae), Labcorp
Classification: Likely benign for Dilated cardiomyopathy 1G; Autosomal recessive limb-girdle muscular dystrophy type 2J. Last evaluated: 2025-11-06. Review status: criteria provided, single submitter. Criteria: Invitae Variant Classification Sherloc (09022015). Collection method: clinical testing. Allele origin: germline.

Ambry Genetics
Classification: Likely benign for Cardiovascular phenotype. Last evaluated: 2022-10-27. Review status: criteria provided, single submitter. Criteria: Ambry Variant Classification Scheme 2023. Collection method: clinical testing. Allele origin: germline.

Laboratory for Molecular Medicine, Mass General Brigham Personalized Medicine
Classification: Likely benign. Last evaluated: 2014-06-19. Review status: criteria provided, single submitter. Criteria: LMM Criteria. Collection method: clinical testing. Allele origin: germline. Observed: 1 variant allele.
Comment: Thr23356Thr in exon 275 of TTN: This variant is not expected to have clinical si gnificance because it does not alter an amino acid residue and is not located wi thin the splice consensus sequence.